The following is an entry in ClinVar:

ClinVar aggregate classification (germline): Uncertain significance. Review status: criteria provided, multiple submitters, no conflicts (2 of 4 stars). 6 submissions from 6 submitters: Uncertain significance (6). Last evaluated 2025-08-04.

Conditions:
Hereditary cancer-predisposing syndrome. Also called: Neoplastic Syndromes, Hereditary; Hereditary Cancer Syndrome; Tumor predisposition; Hereditary neoplastic syndrome. Identifiers: Orphanet 140162, MedGen C0027672, MeSH D009386, MONDO:0015356.
Microcephaly, normal intelligence and immunodeficiency (NBS). Also called: IMMUNODEFICIENCY, MICROCEPHALY, AND CHROMOSOMAL INSTABILITY; BERLIN BREAKAGE SYNDROME; Immunodeficiency, microcephaly with normal intelligence; SEEMANOVA SYNDROME II; Ataxia telangiectasia variant V1; Nijmegen breakage syndrome. Identifiers: Orphanet 647, MedGen C0398791, MONDO:0009623, OMIM 251260.
Aplastic anemia. Identifiers: Orphanet 182040, Orphanet 88, MedGen C0002874, MONDO:0015909, OMIM 609135, HP:0001915.

Allele frequency attached by ClinVar (database versions not stated): gnomAD exomes below 0.00001; TOPMed 0.00002.

Submissions (6):

Hema, HEMA – Genetic and Molecular Diagnostic Laboratory
Classification: Uncertain significance for Microcephaly, normal intelligence and immunodeficiency. Last evaluated: 2025-08-04. Review status: criteria provided, single submitter. Criteria: HEMA Variant Classification Assertion Criteria. Collection method: clinical testing. Allele origin: germline.
Comment: It is a transversion from guanine to cytosine that results in the substitution of alanine 131 with glycine in the nibrin protein. PM2_Supporting: Present at very low frequency in gnomAD v4.1.0. BP4: The computational meta-predictor score REVEL = 0.212 ≤ 0.290, indicating that the variant is not likely to have an effect on the nibrin protein.

Baylor Genetics
Classification: Uncertain significance for Aplastic anemia. Last evaluated: 2023-09-26. Review status: criteria provided, single submitter. Criteria: ACMG Guidelines, 2015. Collection method: clinical testing. Allele origin: unknown.

Ambry Genetics
Classification: Uncertain significance for Hereditary cancer-predisposing syndrome. Last evaluated: 2023-06-15. Review status: criteria provided, single submitter. Criteria: Ambry Variant Classification Scheme 2023. Collection method: clinical testing. Allele origin: germline.
Comment: The p.A131G variant (also known as c.392C>G), located in coding exon 4 of the NBN gene, results from a C to G substitution at nucleotide position 392. The alanine at codon 131 is replaced by glycine, an amino acid with similar properties. This amino acid position is well conserved in available vertebrate species. In addition, this alteration is predicted to be tolerated by in silico analysis. Since supporting evidence is limited at this time, the clinical significance of this alteration remains unclear.

Labcorp Genetics (formerly Invitae), Labcorp
Classification: Uncertain significance for Microcephaly, normal intelligence and immunodeficiency. Last evaluated: 2022-06-12. Review status: criteria provided, single submitter. Criteria: Invitae Variant Classification Sherloc (09022015). Collection method: clinical testing. Allele origin: germline.
Comment: This sequence change replaces alanine, which is neutral and non-polar, with glycine, which is neutral and non-polar, at codon 131 of the NBN protein (p.Ala131Gly). This variant is not present in population databases (gnomAD no frequency). This variant has not been reported in the literature in individuals affected with NBN-related conditions. ClinVar contains an entry for this variant (Variation ID: 576690). Algorithms developed to predict the effect of missense changes on protein structure and function (SIFT, PolyPhen-2, Align-GVGD) all suggest that this variant is likely to be tolerated. Algorithms developed to predict the effect of sequence changes on RNA splicing suggest that this variant may create or strengthen a splice site. In summary, the available evidence is currently insufficient to determine the role of this variant in disease. Therefore, it has been classified as a Variant of Uncertain Significance.

Genome-Nilou Lab
Classification: Uncertain significance for Microcephaly, normal intelligence and immunodeficiency. Last evaluated: 2021-11-07. Review status: criteria provided, single submitter. Criteria: ACMG Guidelines, 2015. Collection method: clinical testing. Allele origin: germline. Affected: no.

Blueprint Genetics
Classification: Uncertain significance. Last evaluated: 2019-03-07. Review status: criteria provided, single submitter. Criteria: ACMG Guidelines, 2015. Collection method: clinical testing. Allele origin: germline.

NM_002485.5(NBN):c.392C>G (p.Ala131Gly)

Gene: NBN (nibrin; minus strand). Cytogenetic location: 8q21.3.
Variant type: single nucleotide variant.
Coding change: c.392C>G on transcript NM_002485.5 (MANE Select); coding-DNA position 392, C replaced by G.
Protein change: p.Ala131Gly; replaces alanine 131 with glycine.
Molecular consequence: missense variant.
Genome position (GRCh38, 1-based): chr8:89,980,822, G>C on the plus strand (C>G on the coding strand, the complement: NBN is on the minus strand). VCF-style: chr8-89980822-G-C. GRCh37 (hg19) VCF-style: chr8-90993050-G-C.
Other names: c.146C>G, p.Ala49Gly (NM_001024688.3); short protein forms A131G, A49G.
Identifiers: ClinVar variation 576690 (VCV000576690.19), dbSNP rs1469136096, ClinGen allele CA371661936.